The following is an entry in ClinVar:

ClinVar aggregate classification (germline): Uncertain significance (1 of 4 stars; one submission).

Conditions:
Hereditary breast ovarian cancer syndrome. Also called: Hereditary breast and ovarian cancer syndrome; Hereditary breast and ovarian cancer syndrome (HBOC); Hereditary breast and/or ovarian cancer syndrome; Hereditary breast and ovarian cancer; Breast and ovarian cancer; BRCA1- and BRCA2-Associated Hereditary Breast and Ovarian Cancer. Identifiers: Orphanet 145, MedGen C0677776, MeSH D061325, MONDO:0003582. Disease mechanism: loss of function.

Submission:

Labcorp Genetics (formerly Invitae), Labcorp
Classification: Uncertain significance for Hereditary breast ovarian cancer syndrome. Last evaluated: 2023-04-15. Review status: criteria provided, single submitter. Criteria: Invitae Variant Classification Sherloc (09022015). Collection method: clinical testing. Allele origin: germline.
Comment: This sequence change replaces glutamine, which is neutral and polar, with histidine, which is basic and polar, at codon 1658 of the BRCA2 protein (p.Gln1658His). This variant is not present in population databases (gnomAD no frequency). This variant has not been reported in the literature in individuals affected with BRCA2-related conditions. Advanced modeling of protein sequence and biophysical properties (such as structural, functional, and spatial information, amino acid conservation, physicochemical variation, residue mobility, and thermodynamic stability) performed at Invitae indicates that this missense variant is not expected to disrupt BRCA2 protein function. In summary, the available evidence is currently insufficient to determine the role of this variant in disease. Therefore, it has been classified as a Variant of Uncertain Significance.

NM_000059.4(BRCA2):c.4974G>T (p.Gln1658His)

Gene: BRCA2 (BRCA2 DNA repair associated; plus strand). Cytogenetic location: 13q13.1.
Variant type: single nucleotide variant.
Coding change: c.4974G>T on transcript NM_000059.4 (MANE Select); coding-DNA position 4974, G replaced by T.
Protein change: p.Gln1658His; replaces glutamine 1658 with histidine.
Molecular consequence: missense variant. On other transcripts: non-coding transcript variant (1), intron variant (2).
Genome position (GRCh38, 1-based): chr13:32,339,329, G>T. VCF-style: chr13-32339329-G-T. GRCh37 (hg19) VCF-style: chr13-32913466-G-T.
Other names: c.4974G>T, p.Gln1658His (NM_001406719.1, NM_001406720.1); c.1910-5229G>T (NM_001406721.1); c.425-5229G>T (NM_001406722.1); short protein forms Q1658H.
Identifiers: ClinVar variation 2797153 (VCV002797153.3), dbSNP rs1555284012, ClinGen allele CA387783841.